The following is an entry in ClinVar:

ClinVar aggregate classification (germline): Likely benign (1 of 4 stars; one submission).

Submission:

GeneDx
Classification: Likely benign. Last evaluated: 2016-10-19. Review status: criteria provided, single submitter. Criteria: GeneDx Variant Classification (06012015). Collection method: clinical testing. Allele origin: germline. Affected: yes.
Comment: This variant is considered likely benign or benign based on one or more of the following criteria: it is a conservative change, it occurs at a poorly conserved position in the protein, it is predicted to be benign by multiple in silico algorithms, and/or has population frequency not consistent with disease.

NM_016156.6(MTMR2):c.825T>A (p.Pro275=)

Gene: MTMR2 (myotubularin related protein 2; minus strand). Cytogenetic location: 11q21.
Variant type: single nucleotide variant.
Coding change: c.825T>A on transcript NM_016156.6 (MANE Select); coding-DNA position 825, T replaced by A.
Protein change: p.Pro275=; no amino-acid change (proline 275 retained).
Molecular consequence: synonymous variant.
Genome position (GRCh38, 1-based): chr11:95,849,842, A>T on the plus strand (T>A on the coding strand, the complement: MTMR2 is on the minus strand). VCF-style: chr11-95849842-A-T. GRCh37 (hg19) VCF-style: chr11-95583006-A-T.
Other names: c.609T>A, p.Pro203= (NM_001243571.2, NM_201278.3, NM_201281.3).
Identifiers: ClinVar variation 390169 (VCV000390169.1), dbSNP rs1057523668, ClinGen allele CA16607034.
Genomic context (GRCh38, chr11:95,849,842, plus strand): 5'-TCGCTTTCCACTCACTCCAACCATGGGCTGGCTACACCGAGTGATTGTGGCTTGACTTTC[A>T]GGATGAATCCATGATAAAACCTTAATGAGGAAAAAATGGTAACACACCTTTTACATACTT-3'
Protein context (NP_057240.3, residues 265-285): GRIPVLSWIH[Pro275=]ESQATITRCS